The following is an entry in ClinVar:

ClinVar aggregate classification (germline): Likely benign. Review status: criteria provided, multiple submitters, no conflicts (2 of 4 stars). 4 submissions from 4 submitters: Likely benign (3). 1 of the submissions does not count toward it. Last evaluated 2026-01-26.

Conditions:
CLCN4-related disorder. Identifiers: MedGen CN232948.

Allele frequency attached by ClinVar (database versions not stated): ExAC 0.00002; gnomAD exomes 0.00003; gnomAD 0.00022 and 0.00024; 1000 Genomes Project 30x 0.00042; 1000 Genomes Project 0.00053; TOPMed 0.00060.
gnomAD v4.1: 47 of 1,209,698 alleles (0.0039%); highest among the groups gnomAD compares: Admixed American, 0.085%; no homozygotes.

Submissions (4):

Labcorp Genetics (formerly Invitae), Labcorp
Classification: Likely benign. Last evaluated: 2026-01-26. Review status: criteria provided, single submitter. Criteria: Invitae Variant Classification Sherloc (09022015). Collection method: clinical testing. Allele origin: germline.

Blueprint Genetics
Classification: Likely benign. Last evaluated: 2023-03-02. Review status: criteria provided, single submitter. Criteria: ACMG Guidelines, 2015. Collection method: clinical testing. Allele origin: germline.

GeneDx
Classification: Likely benign. Last evaluated: 2020-12-17. Review status: criteria provided, single submitter. Criteria: GeneDx Variant Classification Process June 2021. Collection method: clinical testing. Allele origin: germline. Affected: yes.

PreventionGenetics, part of Exact Sciences
Classification: Likely benign for CLCN4-related condition. Last evaluated: 2019-08-09. Review status: no assertion criteria provided. Collection method: clinical testing. Allele origin: germline. Not counted in ClinVar's aggregate classification.
Comment: This variant is classified as likely benign based on ACMG/AMP sequence variant interpretation guidelines (Richards et al. 2015 PMID: 25741868, with internal and published modifications).

NM_001830.4(CLCN4):c.363C>G (p.Thr121=)

Gene: CLCN4 (Cl-/H+ antiporter 4; plus strand). Cytogenetic location: Xp22.2.
Variant type: single nucleotide variant.
Coding change: c.363C>G on transcript NM_001830.4 (MANE Select); coding-DNA position 363, C replaced by G.
Protein change: p.Thr121=; no amino-acid change (threonine 121 retained).
Molecular consequence: synonymous variant.
Genome position (GRCh38, 1-based): chrX:10,195,029, C>G. VCF-style: chrX-10195029-C-G. GRCh37 (hg19) VCF-style: chrX-10163069-C-G.
Other names: c.81C>G, p.Thr27= (NM_001256944.2).
Identifiers: ClinVar variation 696913 (VCV000696913.16), dbSNP rs190803102, ClinGen allele CA10347060.